The following is an entry in ClinVar:

NM_024426.6(WT1):c.737A>G (p.Asn246Ser)

Gene: WT1 (WT1 transcription factor; minus strand). Cytogenetic location: 11p13.
Variant type: single nucleotide variant.
Coding change: c.737A>G on transcript NM_024426.6 (MANE Select); coding-DNA position 737, A replaced by G.
Protein change: p.Asn246Ser; replaces asparagine 246 with serine.
Molecular consequence: missense variant. On other transcripts: 5 prime UTR variant (1), non-coding transcript variant (2), intron variant (2).
Genome position (GRCh38, 1-based): chr11:32,428,544, T>C on the plus strand (A>G on the coding strand, the complement: WT1 is on the minus strand). VCF-style: chr11-32428544-T-C. GRCh37 (hg19) VCF-style: chr11-32450090-T-C.
Other names: c.737A>G, p.Asn246Ser (NM_000378.6, NM_001407044.1, NM_001407045.1 and 4 more transcripts); c.86A>G, p.Asn29Ser (NM_001198551.2, NM_001198552.2); c.-26A>G (NM_001407051.1); c.518A>G, p.Asn173Ser (NM_001429031.1, NM_001429032.1, NM_001429033.1 and 1 more transcripts); c.722A>G, p.Asn241Ser (NM_024425.2); c.662-486A>G (NM_001407050.1, NM_001407047.1); c.722A>G (NM_024426.4); short protein forms N173S, N241S, N246S, N29S.
Identifiers: ClinVar variation 3072297 (VCV003072297.5), dbSNP rs1853144243, ClinGen allele CA379963370.

ClinVar aggregate classification (germline): Uncertain significance. Review status: criteria provided, multiple submitters, no conflicts (2 of 4 stars). 4 submissions from 4 submitters: Uncertain significance (4). Last evaluated 2025-07-03.

Conditions:
Wilms tumor 1 (WT1). Also called: Wilms tumor, somatic. Identifiers: Orphanet 654, MedGen CN033288, MONDO:0008679, OMIM 194070.
11p partial monosomy syndrome (WAGR). Also called: CHROMOSOME 11p13 DELETION SYNDROME; WAGR syndrome; WAGR Complex; WAGR Spectrum Disorder. Identifiers: Orphanet 893, MedGen C0206115, MONDO:0008681, OMIM 194072.
Frasier syndrome. Identifiers: Orphanet 347, MedGen C0950122, MeSH D052159, MONDO:0007635, OMIM 136680.
Drash syndrome (DDS). Also called: WILMS TUMOR AND PSEUDO- OR TRUE HERMAPHRODITISM; NEPHROPATHY, WILMS TUMOR, AND GENITAL ANOMALIES. Identifiers: Orphanet 220, MedGen C0950121, MONDO:0008682, OMIM 194080.
Inborn genetic diseases. Identifiers: MedGen C0950123, MeSH D030342.

Allele frequency attached by ClinVar (database versions not stated): TOPMed below 0.00001.
gnomAD v4.1: 1 of 1,614,078 alleles (0.000062%); no homozygotes.

Submissions (4):

Ambry Genetics
Classification: Uncertain significance for Inborn genetic diseases. Last evaluated: 2025-07-03. Review status: criteria provided, single submitter. Criteria: Ambry Variant Classification Scheme 2023. Collection method: clinical testing. Allele origin: germline.
Comment: The p.N241S variant (also known as c.722A>G), located in coding exon 2 of the WT1 gene, results from an A to G substitution at nucleotide position 722. The asparagine at codon 241 is replaced by serine, an amino acid with highly similar properties. This amino acid position is conserved. In addition, this alteration is predicted to be tolerated by in silico analysis. Based on the available evidence, the clinical significance of this variant remains unclear.

GeneDx
Classification: Uncertain significance. Last evaluated: 2024-11-27. Review status: criteria provided, single submitter. Criteria: GeneDx Variant Classification Process June 2021. Collection method: clinical testing. Allele origin: germline. Affected: yes.
Comment: Not observed at significant frequency in large population cohorts (gnomAD); In silico analysis indicates that this missense variant does not alter protein structure/function; Has not been previously published as pathogenic or benign to our knowledge; This variant is associated with the following publications: (PMID: 8486616)

Labcorp Genetics (formerly Invitae), Labcorp
Classification: Uncertain significance for Wilms tumor 1; Drash syndrome; 11p partial monosomy syndrome; Frasier syndrome. Last evaluated: 2024-08-06. Review status: criteria provided, single submitter. Criteria: Invitae Variant Classification Sherloc (09022015). Collection method: clinical testing. Allele origin: germline.
Comment: This sequence change replaces asparagine, which is neutral and polar, with serine, which is neutral and polar, at codon 241 of the WT1 protein (p.Asn241Ser). This variant is not present in population databases (gnomAD no frequency). This variant has not been reported in the literature in individuals affected with WT1-related conditions. An algorithm developed to predict the effect of missense changes on protein structure and function outputs the following: PolyPhen-2: "Benign". The serine amino acid residue is found in multiple mammalian species, which suggests that this missense change does not adversely affect protein function. In summary, the available evidence is currently insufficient to determine the role of this variant in disease. Therefore, it has been classified as a Variant of Uncertain Significance.

All of Us Research Program, National Institutes of Health
Classification: Uncertain significance for Wilms tumor 1. Last evaluated: 2023-08-15. Review status: criteria provided, single submitter. Criteria: ACMG Guidelines, 2015. Collection method: clinical testing. Allele origin: germline. Inheritance: Autosomal dominant inheritance. Observed: 1 variant allele, 1 heterozygote.
Comment: This study involves interpretation of variants in research participants for the purpose of population health screening. Participant phenotype was not available at the time of variant classification. Additional details can be found in publication PMID: 35346344, PMCID: PMC8962531